The following is an entry in ClinVar:

NM_015404.4(WHRN):c.1688_1690del (p.Asp563del)

Gene: WHRN (whirlin; minus strand). Cytogenetic location: 9q32.
Variant type: Deletion.
Coding change: c.1688_1690del on transcript NM_015404.4 (MANE Select); coding-DNA positions 1688 to 1690, 3 bases deleted (ATG; older notation c.1688_1690delATG).
Protein change: p.Asp563del; deletes aspartic acid 563.
Molecular consequence: inframe deletion.
Genome position (GRCh38, 1-based): chr9:114,407,955-114,407,957, CAT deleted on the plus strand (ATG on the coding strand, the reverse complement: WHRN is on the minus strand); deleting any 3 consecutive bases within chr9:114,407,955-114,407,958 gives the same sequence; the c. name uses the placement nearest the transcript's 3' end. VCF-style (leftmost placement, unchanged base first): chr9-114407954-ACAT-A. GRCh37 (hg19) VCF-style: chr9-117170234-ACAT-A.
Other names: c.539_541del, p.Asp180del (NM_001083885.3); c.1688_1690del, p.Asp563del (NM_001173425.2); c.635_637del, p.Asp212del (NM_001346890.1); short protein forms D563del, D180del, D212del.
Identifiers: ClinVar variation 1508971 (VCV001508971.7), dbSNP rs1835155734, ClinGen allele CA1873827838.
Genomic context (GRCh38, chr9:114,407,954, plus strand): 5'-AGGACCTGAGCACACCAGGGAGAGCAGAACCAAAGGGCCAGCCAGGGCCTTACCACGGAC[ACAT>A]CTGGGAGGGCGTTGATATTGCCCTGGACAGCCTCGCCAGTTTCCTCCAGGTCCAGAGTGT-3'

ClinVar aggregate classification (germline): Uncertain significance (1 of 4 stars; one submission).

Submission:

Labcorp Genetics (formerly Invitae), Labcorp
Classification: Uncertain significance. Last evaluated: 2020-12-17. Review status: criteria provided, single submitter. Criteria: Invitae Variant Classification Sherloc (09022015). Collection method: clinical testing. Allele origin: germline.
Comment: Experimental studies and prediction algorithms are not available or were not evaluated, and the functional significance of this variant is currently unknown. This variant, c.1688_1690del, results in the deletion of 1 amino acid(s) of the WHRN protein (p.Asp563del), but otherwise preserves the integrity of the reading frame. This variant is not present in population databases (ExAC no frequency). This variant has not been reported in the literature in individuals with WHRN-related conditions. Algorithms developed to predict the effect of sequence changes on RNA splicing suggest that this variant may create or strengthen a splice site, but this prediction has not been confirmed by published transcriptional studies. In summary, the available evidence is currently insufficient to determine the role of this variant in disease. Therefore, it has been classified as a Variant of Uncertain Significance.